The following is an entry in ClinVar:

NM_004817.4(TJP2):c.953-2A>G

Gene: TJP2 (tight junction protein 2; plus strand). Cytogenetic location: 9q21.11.
Variant type: single nucleotide variant.
Coding change: c.953-2A>G on transcript NM_004817.4 (MANE Select); the canonical splice acceptor site of the intron before coding-DNA position 953, A replaced by G.
Molecular consequence: splice acceptor variant.
Genome position (GRCh38, 1-based): chr9:69,225,302, A>G. VCF-style: chr9-69225302-A-G. GRCh37 (hg19) VCF-style: chr9-71840218-A-G.
Other names: c.884-2A>G (NM_001170414.2, NM_001369870.1, NM_001369871.1); c.953-2A>G (NM_201629.3, NM_001369872.1, NM_001369873.1); c.965-2A>G (NM_001170415.1, NM_001369875.1, NM_001369874.1); c.1046-2A>G (NM_001170416.2).
Identifiers: ClinVar variation 3382765 (VCV003382765.2).
Genomic context (GRCh38, chr9:69,225,302, plus strand): 5'-CCAGACTAAGTTTTTTGAACAAATTGATAACATACGTGTATGTTTATGTGTTTGTCTCCT[A>G]GAGTATGGTCTCCGGCTTGGGAGTCAGATCTTCGTAAAGGAAATGACCCGAACGGGTCTG-3'

ClinVar aggregate classification (germline): Likely pathogenic (1 of 4 stars; one submission).

Conditions:
Hypercholanemia, familial 1 (FHCA1). Identifiers: Orphanet 238475, MedGen C5542604, MONDO:0031446, OMIM 607748.
Cholestasis, progressive familial intrahepatic, 4. Identifiers: Orphanet 480483, Orphanet 79304, MedGen C2931067, MONDO:0014381, OMIM 615878.

gnomAD v4.1: 2 of 1,604,900 alleles (0.00012%); highest among the groups gnomAD compares: African/African-American, 0.0013%; no homozygotes.

Submission:

Juno Genomics, Hangzhou Juno Genomics, Inc
Classification: Likely pathogenic for Cholestasis, progressive familial intrahepatic, 4; Hypercholanemia, familial 1. Review status: criteria provided, single submitter. Criteria: ACMG Guidelines, 2015. Collection method: clinical testing. Allele origin: germline. Affected: yes.
Comment: Absent from controls (or at extremely low frequency if recessive) in Genome Aggregation Database, Exome Sequencing Project, 1000 Genomes Project, or Exome Aggregation Consortium.;Null variant in a gene where loss of function (LOF) is a known mechanism of disease.